The following is an entry in ClinVar:

NM_001365276.2(TNXB):c.9661G>A (p.Val3221Met)

Gene: TNXB (tenascin XB; minus strand). Cytogenetic location: 6p21.33.
Variant type: single nucleotide variant.
Coding change: c.9661G>A on transcript NM_001365276.2 (MANE Select); coding-DNA position 9661, G replaced by A.
Protein change: p.Val3221Met; replaces valine 3221 with methionine.
Molecular consequence: missense variant.
Genome position (GRCh38, 1-based): chr6:32,049,366, C>T on the plus strand (G>A on the coding strand, the complement: TNXB is on the minus strand). VCF-style: chr6-32049366-C-T. GRCh37 (hg19) VCF-style: chr6-32017143-C-T.
Other names: p.Val3219Met; c.9655G>A, p.Val3219Met (NM_019105.8); short protein forms V3219M, V3221M.
Identifiers: ClinVar variation 209196 (VCV000209196.39), dbSNP rs367685759, ClinGen allele CA250395.

ClinVar aggregate classification (germline): Conflicting classifications of pathogenicity. Review status: criteria provided, conflicting classifications (1 of 4 stars). 9 submissions from 9 submitters: Uncertain significance (2); Benign (5); Likely benign (2). Last evaluated 2026-04-01.

Conditions:
Cardiovascular phenotype. Identifiers: MedGen CN230736.
Ehlers-Danlos syndrome (EDS). Identifiers: Orphanet 98249, MedGen C0013720, MONDO:0020066.
Ehlers-Danlos syndrome due to tenascin-X deficiency (EDSCLL1). Also called: EHLERS-DANLOS SYNDROME, CLASSIC-LIKE; Ehlers-Danlos syndrome, classic-like, 1; TNXB-Related Classical-Like Ehlers-Danlos Syndrome; EDS DUE TO TNX DEFICIENCY; TNX DEFICIENCY. Identifiers: Orphanet 230839, MedGen C1848029, MONDO:0011670, OMIM 606408.

Allele frequency attached by ClinVar (database versions not stated): ESP Exome Variant Server 0.00013; gnomAD 0.00019; TOPMed 0.00024; 1000 Genomes Project 30x 0.00906; 1000 Genomes Project 0.00938.
gnomAD v4.1: 4,232 of 1,612,516 alleles (0.26%); highest among the groups gnomAD compares: South Asian, 4.1%; 151 homozygotes.

Submissions (9):

CeGaT Center for Human Genetics Tuebingen
Classification: Benign. Last evaluated: 2026-04-01. Review status: criteria provided, single submitter. Criteria: CeGaT Center For Human Genetics Tuebingen Variant Classification Criteria Version 2. Collection method: clinical testing. Allele origin: germline. Affected: yes. Observed: 4 variant alleles.
Comment: TNXB: BP4, BS1, BS2

Women's Health and Genetics/Laboratory Corporation of America, LabCorp
Classification: Likely benign. Last evaluated: 2026-03-30. Review status: criteria provided, single submitter. Criteria: LabCorp Variant Classification Summary - May 2015. Collection method: clinical testing. Allele origin: germline.

Labcorp Genetics (formerly Invitae), Labcorp
Classification: Benign. Last evaluated: 2026-01-28. Review status: criteria provided, single submitter. Criteria: Invitae Variant Classification Sherloc (09022015). Collection method: clinical testing. Allele origin: germline.

Mayo Clinic Laboratories, Mayo Clinic
Classification: Benign. Last evaluated: 2023-08-16. Review status: criteria provided, single submitter. Criteria: ACMG Guidelines, 2015. Collection method: clinical testing. Allele origin: germline. Observed: 4 variant alleles.
Comment: BA1, BP4

GeneDx
Classification: Likely benign. Last evaluated: 2021-05-28. Review status: criteria provided, single submitter. Criteria: GeneDx Variant Classification Process June 2021. Collection method: clinical testing. Allele origin: germline. Affected: yes.

Genome Diagnostics Laboratory, The Hospital for Sick Children
Classification: Benign for Ehlers-Danlos syndrome. Last evaluated: 2021-02-02. Review status: criteria provided, single submitter. Criteria: ACMG Guidelines, 2015. Collection method: clinical testing. Allele origin: germline.

Ambry Genetics
Classification: Benign for Cardiovascular phenotype. Last evaluated: 2020-03-19. Review status: criteria provided, single submitter. Criteria: Ambry Variant Classification Scheme 2023. Collection method: clinical testing. Allele origin: germline.

Laboratorio de Genetica e Diagnostico Molecular, Hospital Israelita Albert Einstein
Classification: Uncertain significance. Last evaluated: 2019-04-05. Review status: criteria provided, single submitter. Criteria: ACMG Guidelines, 2015. Collection method: clinical testing. Allele origin: germline. Affected: yes.

Baylor Genetics
Classification: Uncertain significance for Ehlers-Danlos-like syndrome due to tenascin-X deficiency. Last evaluated: 2015-03-30. Review status: criteria provided, single submitter. Criteria: Yang et al. 2013. Collection method: clinical testing. Allele origin: germline. Inheritance: Autosomal recessive inheritance. Observed: 16 variant alleles, 11 heterozygotes, 5 compound heterozygotes. Study: Adult_WES.

Literature cited by the submitters: PubMed 26633545 (cited by Baylor Genetics).